The following is an entry in ClinVar:

NM_001360016.2(G6PD):c.[1116G>A;1311=]

Variant type: Haplotype.
Identifiers: ClinVar variation 1722641 (VCV001722641.2).

ClinVar aggregate classification (germline): Benign (1 of 4 stars; one submission).

Conditions:
Anemia, nonspherocytic hemolytic, due to G6PD deficiency (CNSHA1). Also called: Hemolytic anemia due to G6PD deficiency; Favism, susceptibility to; Class I glucose-6-phosphate dehydrogenase deficiency; ANEMIA, CONGENITAL, NONSPHEROCYTIC HEMOLYTIC, 1. Identifiers: Orphanet 466026, MedGen C2720289, MONDO:0010480, OMIM 300908.

Submission:

Dunham Lab, University of Washington
Classification: Benign for Anemia, nonspherocytic hemolytic, due to G6PD deficiency. Last evaluated: 2022-08-12. Review status: criteria provided, single submitter. Criteria: ACMG Guidelines, 2015. Collection method: curation. Allele origin: unknown. Affected: no.
Comment: Variant found in 10 hemizyogtes without G6PD deficiency (BS2) and the activity in red blood cells is within the normal range (BS3). Frequency of 1311C>T is over 16% in gnomAD (BA1).

Literature cited by the submitters: PubMed 12064920.